The following is an entry in ClinVar:

NM_005562.3(LAMC2):c.961del (p.Glu321fs)

Gene: LAMC2 (laminin subunit gamma 2; plus strand). Cytogenetic location: 1q25.3.
Variant type: Deletion.
Coding change: c.961del on transcript NM_005562.3 (MANE Select); coding-DNA position 961, one base deleted (G; older notation c.961delG).
Protein change: p.Glu321fs; shifts the reading frame from glutamic acid 321.
Molecular consequence: frameshift variant.
Genome position (GRCh38, 1-based): chr1:183,225,615, G deleted. VCF-style (leftmost placement, unchanged base first): chr1-183225614-TG-T. GRCh37 (hg19) VCF-style: chr1-183194749-TG-T.
Other names: c.961del, p.Glu321fs (NM_018891.3); short protein forms E321fs.
Identifiers: ClinVar variation 2810033 (VCV002810033.3), dbSNP rs2526054200, ClinGen allele CA2739275450.
Genomic context (GRCh38, chr1:183,225,614, plus strand): 5'-GTAGGTATGTGGTAAGAATCGGATTTTTAAAGCTTTTGATTTTAAATTATGCAGGTTAAA[TG>T]AGCATCCAAGCAATAATTGGAGCCCCCAGCTGAGTTACTTTGAGTATCGAAGGTTACTGC-3'

ClinVar aggregate classification (germline): Pathogenic (1 of 4 stars; one submission).

Submission:

Labcorp Genetics (formerly Invitae), Labcorp
Classification: Pathogenic. Last evaluated: 2022-10-27. Review status: criteria provided, single submitter. Criteria: Invitae Variant Classification Sherloc (09022015). Collection method: clinical testing. Allele origin: germline.
Comment: For these reasons, this variant has been classified as Pathogenic. This variant has not been reported in the literature in individuals affected with LAMC2-related conditions. This variant is not present in population databases (gnomAD no frequency). This sequence change creates a premature translational stop signal (p.Glu321Serfs*11) in the LAMC2 gene. It is expected to result in an absent or disrupted protein product. Loss-of-function variants in LAMC2 are known to be pathogenic (PMID: 11907499, 16473856).

Literature cited by the submitters: PubMed 11907499; PubMed 16473856.